The following is an entry in ClinVar:

ClinVar aggregate classification (germline): Uncertain significance (1 of 4 stars; one submission).

Conditions:
Hereditary cancer-predisposing syndrome. Also called: Neoplastic Syndromes, Hereditary; Tumor predisposition; Hereditary Cancer Syndrome; Hereditary neoplastic syndrome. Identifiers: Orphanet 140162, MedGen C0027672, MeSH D009386, MONDO:0015356.

Submission:

Ambry Genetics
Classification: Uncertain significance for Hereditary cancer-predisposing syndrome. Last evaluated: 2025-11-02. Review status: criteria provided, single submitter. Criteria: Ambry Variant Classification Scheme 2023. Collection method: clinical testing. Allele origin: germline.
Comment: The p.C633F variant (also known as c.1898G>T), located in coding exon 14 of the MSH3 gene, results from a G to T substitution at nucleotide position 1898. The cysteine at codon 633 is replaced by phenylalanine, an amino acid with highly dissimilar properties. This amino acid position is conserved. In addition, this alteration is predicted to be deleterious by in silico analysis. Based on the available evidence, the clinical significance of this variant remains unclear.

NM_002439.5(MSH3):c.1898G>T (p.Cys633Phe)

Gene: MSH3 (mutS homolog 3; plus strand). Cytogenetic location: 5q14.1.
Variant type: single nucleotide variant.
Coding change: c.1898G>T on transcript NM_002439.5 (MANE Select); coding-DNA position 1898, G replaced by T.
Protein change: p.Cys633Phe; replaces cysteine 633 with phenylalanine.
Molecular consequence: missense variant.
Genome position (GRCh38, 1-based): chr5:80,767,934, G>T. VCF-style: chr5-80767934-G-T. GRCh37 (hg19) VCF-style: chr5-80063753-G-T.
Other names: short protein forms C633F.
Identifiers: ClinVar variation 4654704 (VCV004654704.1).